The following is an entry in ClinVar:

NM_015046.7(SETX):c.208A>G (p.Ile70Val)

Gene: SETX (senataxin; minus strand). Cytogenetic location: 9q34.13.
Variant type: single nucleotide variant.
Coding change: c.208A>G on transcript NM_015046.7 (MANE Select); coding-DNA position 208, A replaced by G.
Protein change: p.Ile70Val; replaces isoleucine 70 with valine.
Molecular consequence: missense variant.
Genome position (GRCh38, 1-based): chr9:132,346,441, T>C on the plus strand (A>G on the coding strand, the complement: SETX is on the minus strand). VCF-style: chr9-132346441-T-C. GRCh37 (hg19) VCF-style: chr9-135221828-T-C.
Other names: c.208A>G, p.Ile70Val (NM_001351527.2, NM_001351528.2); short protein forms I70V.
Identifiers: ClinVar variation 536373 (VCV000536373.16), dbSNP rs747469176, ClinGen allele CA5298101.

ClinVar aggregate classification (germline): Conflicting classifications of pathogenicity. Review status: criteria provided, conflicting classifications (1 of 4 stars). 4 submissions from 4 submitters: Uncertain significance (3); Benign (1). Last evaluated 2026-03-23.

Conditions:
Inborn genetic diseases. Identifiers: MedGen C0950123, MeSH D030342.
SETX-related disorder. Also called: SETX-related disorders; SETX-related condition. Identifiers: MedGen CN239403.
Spinocerebellar ataxia, autosomal recessive, with axonal neuropathy 2 (SCAN2). Also called: Ataxia with Oculomotor Apraxia; Ataxia-ocular apraxia-2; ATAXIA-OCULOMOTOR APRAXIA 2; Ataxia with Oculomotor Apraxia Type 2. Identifiers: Orphanet 64753, MedGen C1853761, MONDO:0018996, OMIM 606002.
Amyotrophic lateral sclerosis type 4 (ALS4). Also called: AMYOTROPHIC LATERAL SCLEROSIS 4, JUVENILE; NEURONOPATHY, DISTAL HEREDITARY MOTOR, WITH PYRAMIDAL FEATURES. Identifiers: Orphanet 357043, MedGen C1865409, MONDO:0011223, OMIM 602433.

Allele frequency attached by ClinVar (database versions not stated): gnomAD 0.00001 and 0.00002; TOPMed 0.00003; gnomAD exomes 0.00005 and 0.00011; ExAC 0.00009.
gnomAD v4.1: 77 of 1,613,236 alleles (0.0048%); highest among the groups gnomAD compares: Middle Eastern, 0.033%; 1 homozygote.

Submissions (4):

PreventionGenetics, part of Exact Sciences
Classification: Uncertain significance for SETX-related condition. Last evaluated: 2026-03-23. Review status: criteria provided, single submitter. Criteria: ACMG Guidelines, 2015. Collection method: clinical testing. Allele origin: germline.
Comment: The SETX c.208A>G variant is predicted to result in the amino acid substitution p.Ile70Val. To our knowledge, this variant has not been reported in the literature. This variant is reported in 0.080% of alleles in individuals of Ashkenazi Jewish descent in gnomAD. Although we suspect that this variant may be benign, the clinical significance of this variant is uncertain at this time due to the absence of conclusive functional and genetic evidence.

GeneDx
Classification: Uncertain significance. Last evaluated: 2025-11-19. Review status: criteria provided, single submitter. Criteria: GeneDx Variant Classification Process June 2021. Collection method: clinical testing. Allele origin: germline.
Comment: In silico analysis suggests that this missense variant does not alter protein structure/function; Has not been previously published as pathogenic or benign to our knowledge

Labcorp Genetics (formerly Invitae), Labcorp
Classification: Benign for Amyotrophic lateral sclerosis type 4; Spinocerebellar ataxia, autosomal recessive, with axonal neuropathy 2. Last evaluated: 2025-08-11. Review status: criteria provided, single submitter. Criteria: Invitae Variant Classification Sherloc (09022015). Collection method: clinical testing. Allele origin: germline.

Ambry Genetics
Classification: Uncertain significance for Inborn genetic diseases. Last evaluated: 2024-12-07. Review status: criteria provided, single submitter. Criteria: Ambry Variant Classification Scheme 2023. Collection method: clinical testing. Allele origin: germline.